The following is an entry in ClinVar:

ClinVar aggregate classification (germline): Uncertain significance (1 of 4 stars; one submission).

Conditions:
RASopathy. Also called: rasopathies; Noonan spectrum disorder. Identifiers: Orphanet 536391, MedGen C5555857, MONDO:0021060.

Allele frequency attached by ClinVar (database versions not stated): gnomAD exomes below 0.00001.
gnomAD v4.1: 1 of 1,605,568 alleles (0.000062%); highest among the groups gnomAD compares: Non-Finnish European, 0.000085%; no homozygotes.

Submission:

Labcorp Genetics (formerly Invitae), Labcorp
Classification: Uncertain significance for RASopathy. Last evaluated: 2024-02-19. Review status: criteria provided, single submitter. Criteria: Invitae Variant Classification Sherloc (09022015). Collection method: clinical testing. Allele origin: germline.
Comment: This sequence change replaces threonine, which is neutral and polar, with serine, which is neutral and polar, at codon 479 of the SHOC2 protein (p.Thr479Ser). This variant is not present in population databases (gnomAD no frequency). This variant has not been reported in the literature in individuals affected with SHOC2-related conditions. ClinVar contains an entry for this variant (Variation ID: 2085811). Advanced modeling of protein sequence and biophysical properties (such as structural, functional, and spatial information, amino acid conservation, physicochemical variation, residue mobility, and thermodynamic stability) performed at Invitae indicates that this missense variant is not expected to disrupt SHOC2 protein function with a negative predictive value of 80%. In summary, the available evidence is currently insufficient to determine the role of this variant in disease. Therefore, it has been classified as a Variant of Uncertain Significance.

NM_007373.4(SHOC2):c.1435A>T (p.Thr479Ser)

Gene: SHOC2 (SHOC2 leucine rich repeat scaffold protein; plus strand). Cytogenetic location: 10q25.2.
Variant type: single nucleotide variant.
Coding change: c.1435A>T on transcript NM_007373.4 (MANE Select); coding-DNA position 1435, A replaced by T.
Protein change: p.Thr479Ser; replaces threonine 479 with serine.
Molecular consequence: missense variant. On other transcripts: non-coding transcript variant (1).
Genome position (GRCh38, 1-based): chr10:111,009,725, A>T. VCF-style: chr10-111009725-A-T. GRCh37 (hg19) VCF-style: chr10-112769483-A-T.
Other names: c.1297A>T, p.Thr433Ser (NM_001269039.3); c.1435A>T, p.Thr479Ser (NM_001324336.2, NM_001324337.2); short protein forms T479S, T433S.
Identifiers: ClinVar variation 2085811 (VCV002085811.4), dbSNP rs909542052, ClinGen allele CA213914675.